The following is an entry in ClinVar:

ClinVar aggregate classification (germline): Pathogenic (0 of 4 stars; one submission).

Conditions:
Pyruvate dehydrogenase E1-alpha deficiency (PDHAD). Also called: ATAXIA, INTERMITTENT, WITH PYRUVATE DEHYDROGENASE DEFICIENCY; ATAXIA WITH LACTIC ACIDOSIS I; ATAXIA, INTERMITTENT, WITH ABNORMAL PYRUVATE METABOLISM; Ataxia, intermittent, with pyruvate dehydrogenase, or decarboxylase, deficiency. Identifiers: Orphanet 79243, MedGen C1839413, MONDO:0010717, OMIM 312170.

Submission:

PDHA1 Study Group, University Children’s Hospital, Paracelsus Medical University
Classification: Pathogenic for Pyruvate dehydrogenase E1-alpha deficiency. Last evaluated: 2024-10-15. Review status: no assertion criteria provided. Collection method: research. Allele origin: de novo. Affected: yes. Observed: 1 variant allele.
Comment: The NM_000284.3:c.1066_1090dup (p.Leu364delinsArgSerTer) change is a nonsense variant in PDHA1 gene. This variant is predicted to escape nonsense-mediated decay (NMD). Among them, 1 case had confirmed de novo occurrence. Last literature search: July 12, 2024. This variant is absent or extremely rare in population-based cohorts in the Genome Aggregation Database (gnomAD). Individuals harboring this variant presented with clinical features compatible with PDHA1-related PDHc deficiency. In summary, this variant meets criteria to be classified as pathogenic (P) for PDHA1-related PDHc deficiency based on the ACMG/AMP criteria applied: PVS1, PS2, PM2 (last assessment October 15, 2024).

Literature cited by the submitters: DOI 10.1093/brain/awaf430.

NM_000284.4(PDHA1):c.1066_1090dup (p.Leu364delinsArgSerTer)

Gene: PDHA1 (pyruvate dehydrogenase E1 subunit alpha 1; plus strand). Cytogenetic location: Xp22.12.
Variant type: Duplication.
Coding change: c.1066_1090dup on transcript NM_000284.4 (MANE Select); coding-DNA positions 1066 to 1090, 25 bases duplicated (GATCCTGAGCCACCTTTGGAAGAGC).
Protein change: p.Leu364delinsArgSerTer.
Molecular consequence: nonsense.
Genome position (GRCh38, 1-based): chrX:19,359,546-19,359,570, GATCCTGAGCCACCTTTGGAAGAGC duplicated; duplicating any 25 consecutive bases within chrX:19,359,545-19,359,570 gives the same sequence; the c. name uses the placement nearest the transcript's 3' end. VCF-style (leftmost placement, unchanged base first): chrX-19359544-C-CCGATCCTGAGCCACCTTTGGAAGAG. GRCh37 (hg19) VCF-style: chrX-19377662-C-CCGATCCTGAGCCACCTTTGGAAGAG.
Other names: c.1180_1204dup, p.Leu402delinsArgSerTer (NM_001173454.2); c.1087_1111dup, p.Leu371delinsArgSerTer (NM_001173455.2); c.973_997dup, p.Leu333delinsArgSerTer (NM_001173456.2).
Identifiers: ClinVar variation 4070440 (VCV004070440.1).